The following is an entry in ClinVar:

NM_001605.3(AARS1):c.2071C>A (p.Pro691Thr)

Gene: AARS1 (alanyl-tRNA synthetase 1; minus strand). Cytogenetic location: 16q22.1.
Variant type: single nucleotide variant.
Coding change: c.2071C>A on transcript NM_001605.3 (MANE Select); coding-DNA position 2071, C replaced by A.
Protein change: p.Pro691Thr; replaces proline 691 with threonine.
Molecular consequence: missense variant.
Genome position (GRCh38, 1-based): chr16:70,258,139, G>T on the plus strand (C>A on the coding strand, the complement: AARS1 is on the minus strand). VCF-style: chr16-70258139-G-T. GRCh37 (hg19) VCF-style: chr16-70292042-G-T.
Other names: short protein forms P691T.
Identifiers: ClinVar variation 2742893 (VCV002742893.3), dbSNP rs2506996295, ClinGen allele CA396557711.
Genomic context (GRCh38, chr16:70,258,139, plus strand): 5'-AGGGGTCATCCAGCAACTCGGACACCGGGACCCCAATGGAGACGACTCGCACAGGGTCAG[G>T]ATAGGTCTCATCAAACACAGCCCGTAGGCCCTGGATGGCTTTCGCTGCTGCCAGGGGGCA-3'
Protein context (NP_001596.2, residues 681-701): GLRAVFDETY[Pro691Thr]DPVRVVSIGV

ClinVar aggregate classification (germline): Uncertain significance (1 of 4 stars; one submission).

Conditions:
Charcot-Marie-Tooth disease type 2. Also called: Charcot-Marie-Tooth type 2. Identifiers: Orphanet 64746, MedGen C0270914, MONDO:0018993.

Submission:

Labcorp Genetics (formerly Invitae), Labcorp
Classification: Uncertain significance for Charcot-Marie-Tooth disease type 2. Last evaluated: 2023-07-13. Review status: criteria provided, single submitter. Criteria: Invitae Variant Classification Sherloc (09022015). Collection method: clinical testing. Allele origin: germline.
Comment: This sequence change replaces proline, which is neutral and non-polar, with threonine, which is neutral and polar, at codon 691 of the AARS protein (p.Pro691Thr). In summary, the available evidence is currently insufficient to determine the role of this variant in disease. Therefore, it has been classified as a Variant of Uncertain Significance. Advanced modeling of protein sequence and biophysical properties (such as structural, functional, and spatial information, amino acid conservation, physicochemical variation, residue mobility, and thermodynamic stability) has been performed at Invitae for this missense variant, however the output from this modeling did not meet the statistical confidence thresholds required to predict the impact of this variant on AARS protein function. This variant has not been reported in the literature in individuals affected with AARS-related conditions. This variant is not present in population databases (gnomAD no frequency).